The following is an entry in ClinVar:

NM_174916.3(UBR1):c.1183-11_1185del

Gene: UBR1 (ubiquitin protein ligase E3 component n-recognin 1; minus strand). Cytogenetic location: 15q15.2.
Variant type: Deletion.
Coding change: c.1183-11_1185del on transcript NM_174916.3 (MANE Select); 11 bases into the intron before coding-DNA position 1183 through coding-DNA position 1185, 14 bases deleted (ATATATTTCAGTAT).
Molecular consequence: splice acceptor variant.
Genome position (GRCh38, 1-based): chr15:43,056,440-43,056,453, ATACTGAAATATAT deleted on the plus strand (ATATATTTCAGTAT on the coding strand, the reverse complement: UBR1 is on the minus strand); deleting any 14 consecutive bases within chr15:43,056,440-43,056,454 gives the same sequence; the c. name uses the placement nearest the transcript's 3' end. VCF-style (leftmost placement, unchanged base first): chr15-43056439-AATACTGAAATATAT-A. GRCh37 (hg19) VCF-style: chr15-43348637-AATACTGAAATATAT-A.
Identifiers: ClinVar variation 2863147 (VCV002863147.3), dbSNP rs2543007696, ClinGen allele CA2575700092.

ClinVar aggregate classification (germline): Likely pathogenic (1 of 4 stars; one submission).

Submission:

Labcorp Genetics (formerly Invitae), Labcorp
Classification: Likely pathogenic. Last evaluated: 2023-01-28. Review status: criteria provided, single submitter. Criteria: Invitae Variant Classification Sherloc (09022015). Collection method: clinical testing. Allele origin: germline.
Comment: Algorithms developed to predict the effect of sequence changes on RNA splicing suggest that this variant may disrupt the consensus splice site. In summary, the currently available evidence indicates that the variant is pathogenic, but additional data are needed to prove that conclusively. Therefore, this variant has been classified as Likely Pathogenic. This variant has not been reported in the literature in individuals affected with UBR1-related conditions. This variant is not present in population databases (gnomAD no frequency). This variant results in the deletion of part of exon 11 (c.1183-11_1185del) of the UBR1 gene. It is expected to disrupt RNA splicing. Variants that disrupt the donor or acceptor splice site typically lead to a loss of protein function (PMID: 16199547), and loss-of-function variants in UBR1 are known to be pathogenic (PMID: 24599544).

Literature cited by the submitters: PubMed 16199547; PubMed 24599544.